The following is an entry in ClinVar:

ClinVar aggregate classification (germline): Likely pathogenic (1 of 4 stars; one submission).

Conditions:
Hereditary hemorrhagic telangiectasia (HHT). Also called: ORW DISEASE; Osler Weber Rendu syndrome; OSLER-RENDU-WEBER DISEASE; Osler hemorrhagic telangiectasia syndrome. Identifiers: Orphanet 774, MedGen C0039445, MONDO:0019180. Disease mechanism: loss of function.

Submission:

Labcorp Genetics (formerly Invitae), Labcorp
Classification: Likely pathogenic for Hereditary hemorrhagic telangiectasia. Last evaluated: 2025-05-27. Review status: criteria provided, single submitter. Criteria: Invitae Variant Classification Sherloc (09022015). Collection method: clinical testing. Allele origin: germline.
Comment: This sequence change replaces cysteine, which is neutral and slightly polar, with serine, which is neutral and polar, at codon 30 of the ENG protein (p.Cys30Ser). This variant is not present in population databases (gnomAD no frequency). This missense change has been observed in individual(s) with hereditary hemorrhagic telangiectasia (internal data). ClinVar contains an entry for this variant (Variation ID: 583298). Invitae Evidence Modeling of protein sequence and biophysical properties (such as structural, functional, and spatial information, amino acid conservation, physicochemical variation, residue mobility, and thermodynamic stability) indicates that this missense variant is expected to disrupt ENG protein function with a positive predictive value of 95%. This variant disrupts the p.Cys30 amino acid residue in ENG. Other variant(s) that disrupt this residue have been determined to be pathogenic (PMID: 33282178). This suggests that this residue is clinically significant, and that variants that disrupt this residue are likely to be disease-causing. In summary, the currently available evidence indicates that the variant is pathogenic, but additional data are needed to prove that conclusively. Therefore, this variant has been classified as Likely Pathogenic.

Literature cited by the submitters: PubMed 33282178.

NM_001114753.3(ENG):c.88T>A (p.Cys30Ser)

Gene: ENG (endoglin; minus strand). Cytogenetic location: 9q34.11.
Variant type: single nucleotide variant.
Coding change: c.88T>A on transcript NM_001114753.3 (MANE Select); coding-DNA position 88, T replaced by A.
Protein change: p.Cys30Ser; replaces cysteine 30 with serine.
Molecular consequence: missense variant. On other transcripts: 5 prime UTR variant (1).
Genome position (GRCh38, 1-based): chr9:127,843,225, A>T on the plus strand (T>A on the coding strand, the complement: ENG is on the minus strand). VCF-style: chr9-127843225-A-T. GRCh37 (hg19) VCF-style: chr9-130605504-A-T.
Other names: c.88T>A, p.Cys30Ser (NM_000118.4, NM_001406715.1); c.-459T>A (NM_001278138.2); short protein forms C30S.
Identifiers: ClinVar variation 583298 (VCV000583298.12), dbSNP rs1564462834, ClinGen allele CA374989178.
Genomic context (GRCh38, chr9:127,843,225, plus strand): 5'-AGACCTGGCTAGTGGTATATGTCACCTCGCCCCTCTCGGGGCCCACAGGCTGAAGGTCAC[A>T]ATGGACTGTTTCTGCAAGACCTGTTGGAGAAACATCCGGAAAGAGGCCAGGTGAGAATAA-3'
Protein context (NP_001108225.1, residues 20-40): SPTSLAETVH[Cys30Ser]DLQPVGPERG